The following is an entry in ClinVar:

ClinVar aggregate classification (germline): Uncertain significance (1 of 4 stars; one submission).

Conditions:
Early-infantile DEE. Also called: Early infantile epileptic encephalopathy; Ohtahara syndrome; Early infantile epileptic encephalopathy with suppression bursts. Identifiers: Orphanet 1934, MedGen C0393706, MONDO:0800491.

Allele frequency attached by ClinVar (database versions not stated): TOPMed 0.00001; ExAC 0.00002; gnomAD exomes 0.00002.
gnomAD v4.1: 24 of 1,579,228 alleles (0.0015%); highest among the groups gnomAD compares: Middle Eastern, 0.017%; no homozygotes.

Submission:

Labcorp Genetics (formerly Invitae), Labcorp
Classification: Uncertain significance for Early-infantile DEE. Last evaluated: 2025-08-03. Review status: criteria provided, single submitter. Criteria: Invitae Variant Classification Sherloc (09022015). Collection method: clinical testing. Allele origin: germline.
Comment: This sequence change replaces proline, which is neutral and non-polar, with serine, which is neutral and polar, at codon 948 of the KCNH5 protein (p.Pro948Ser). This variant is present in population databases (rs200587228, gnomAD 0.004%). This variant has not been reported in the literature in individuals affected with KCNH5-related conditions. ClinVar contains an entry for this variant (Variation ID: 1412435). Invitae Evidence Modeling of protein sequence and biophysical properties (such as structural, functional, and spatial information, amino acid conservation, physicochemical variation, residue mobility, and thermodynamic stability) indicates that this missense variant is not expected to disrupt KCNH5 protein function with a negative predictive value of 95%. In summary, the available evidence is currently insufficient to determine the role of this variant in disease. Therefore, it has been classified as a Variant of Uncertain Significance.

NM_139318.5(KCNH5):c.2842C>T (p.Pro948Ser)

Gene: KCNH5 (potassium voltage-gated channel subfamily H member 5; minus strand). Cytogenetic location: 14q23.2.
Variant type: single nucleotide variant.
Coding change: c.2842C>T on transcript NM_139318.5 (MANE Select); coding-DNA position 2842, C replaced by T.
Protein change: p.Pro948Ser; replaces proline 948 with serine.
Molecular consequence: missense variant. On other transcripts: 3 prime UTR variant (1).
Genome position (GRCh38, 1-based): chr14:62,707,633, G>A on the plus strand (C>T on the coding strand, the complement: KCNH5 is on the minus strand). VCF-style: chr14-62707633-G-A. GRCh37 (hg19) VCF-style: chr14-63174351-G-A.
Other names: c.*809C>T (NM_172375.3); short protein forms P948S.
Identifiers: ClinVar variation 1412435 (VCV001412435.9), dbSNP rs200587228, ClinGen allele CA7217172.